The following is an entry in ClinVar:

NM_005104.4(BRD2):c.459C>T (p.Tyr153=)

Gene: BRD2 (bromodomain containing 2; plus strand). Cytogenetic location: 6p21.32.
Variant type: single nucleotide variant.
Coding change: c.459C>T on transcript NM_005104.4 (MANE Select); coding-DNA position 459, C replaced by T.
Protein change: p.Tyr153=; no amino-acid change (tyrosine 153 retained).
Molecular consequence: synonymous variant.
Genome position (GRCh38, 1-based): chr6:32,975,509, C>T. VCF-style: chr6-32975509-C-T. GRCh37 (hg19) VCF-style: chr6-32943286-C-T.
Other names: c.459C>T, p.Tyr153= (NM_001113182.3, NM_001199455.1); c.318C>T, p.Tyr106= (NM_001199456.2); c.99C>T, p.Tyr33= (NM_001291986.2).
Identifiers: ClinVar variation 3044768 (VCV003044768.2), dbSNP rs571205164, ClinGen allele CA3748169.

ClinVar aggregate classification (germline): Likely benign (0 of 4 stars; one submission).

Conditions:
BRD2-related disorder. Also called: BRD2-related condition.

Allele frequency attached by ClinVar (database versions not stated): gnomAD 0.00001; TOPMed 0.00003; gnomAD exomes 0.00011; ExAC 0.00017.

Submission:

PreventionGenetics, part of Exact Sciences
Classification: Likely benign for BRD2-related condition. Last evaluated: 2019-02-28. Review status: no assertion criteria provided. Collection method: clinical testing. Allele origin: germline.
Comment: This variant is classified as likely benign based on ACMG/AMP sequence variant interpretation guidelines (Richards et al. 2015 PMID: 25741868, with internal and published modifications).